The following is an entry in ClinVar:

NM_053025.4(MYLK):c.2100C>T (p.Ser700=)

Gene: MYLK (myosin light chain kinase; minus strand). Cytogenetic location: 3q21.1.
Variant type: single nucleotide variant.
Coding change: c.2100C>T on transcript NM_053025.4 (MANE Select); coding-DNA position 2100, C replaced by T.
Protein change: p.Ser700=; no amino-acid change (serine 700 retained).
Molecular consequence: synonymous variant.
Genome position (GRCh38, 1-based): chr3:123,708,738, G>A on the plus strand (C>T on the coding strand, the complement: MYLK is on the minus strand). VCF-style: chr3-123708738-G-A. GRCh37 (hg19) VCF-style: chr3-123427585-G-A.
Other names: c.1572C>T, p.Ser524= (NM_001321309.2); c.1893C>T, p.Ser631= (NM_053026.4, NM_053028.4); c.2100C>T, p.Ser700= (NM_053027.4).
Identifiers: ClinVar variation 512779 (VCV000512779.7), dbSNP rs758518392, ClinGen allele CA068056.

ClinVar aggregate classification (germline): Likely benign. Review status: criteria provided, multiple submitters, no conflicts (2 of 4 stars). 4 submissions from 4 submitters: Likely benign (4). Last evaluated 2025-06-14.

Conditions:
Familial thoracic aortic aneurysm and aortic dissection (TAAD). Also called: Thoracic aortic aneurysms and dissections. Identifiers: Orphanet 91387, MedGen C4707243, MONDO:0019625.
Aortic aneurysm, familial thoracic 7 (AAT7). Also called: AORTIC DISSECTION, FAMILIAL, WITH OR WITHOUT AORTIC ANEURYSM. Identifiers: MedGen C3151077, MONDO:0013418, OMIM 613780.

Allele frequency attached by ClinVar (database versions not stated): gnomAD 0.00001; TOPMed 0.00001.
gnomAD v4.1: 43 of 1,614,030 alleles (0.0027%); highest among the groups gnomAD compares: South Asian, 0.0033%; no homozygotes.

Submissions (4):

Labcorp Genetics (formerly Invitae), Labcorp
Classification: Likely benign for Aortic aneurysm, familial thoracic 7. Last evaluated: 2025-06-14. Review status: criteria provided, single submitter. Criteria: Invitae Variant Classification Sherloc (09022015). Collection method: clinical testing. Allele origin: germline.

Ambry Genetics
Classification: Likely benign for Familial thoracic aortic aneurysm and aortic dissection. Last evaluated: 2022-10-11. Review status: criteria provided, single submitter. Criteria: Ambry Variant Classification Scheme 2023. Collection method: clinical testing. Allele origin: germline.

Phosphorus, Inc.
Classification: Likely benign. Last evaluated: 2022-01-17. Review status: criteria provided, single submitter. Criteria: ACMG Guidelines, 2015. Collection method: clinical testing. Allele origin: germline. Inheritance: Autosomal dominant inheritance.
Comment: This synonymous variant has an entry in ClinVar (512779) NM_053025.4 (MYLK): c.2100C>T (p.Ser700=) and has occurred in GnomAD with a total MAF of 0.0045%. This position is not conserved. In silico splicing algorithm was unavailable, however it is not predicted to impact splicing due to its distance from the splice site. No functional studies were performed to confirm this prediction. The variant has not occurred in literature associated with disease. Considering the above evidence, this variant has been classified as Likely Benign.

GeneDx
Classification: Likely benign. Last evaluated: 2017-10-23. Review status: criteria provided, single submitter. Criteria: GeneDx Variant Classification (06012015). Collection method: clinical testing. Allele origin: germline. Affected: yes.
Comment: This variant is considered likely benign or benign based on one or more of the following criteria: it is a conservative change, it occurs at a poorly conserved position in the protein, it is predicted to be benign by multiple in silico algorithms, and/or has population frequency not consistent with disease.